The following is an entry in ClinVar:

NM_000429.3(MAT1A):c.224C>A (p.Ala75Asp)

Gene: MAT1A (methionine adenosyltransferase 1A; minus strand). Cytogenetic location: 10q22.3.
Variant type: single nucleotide variant.
Coding change: c.224C>A on transcript NM_000429.3 (MANE Select); coding-DNA position 224, C replaced by A.
Protein change: p.Ala75Asp; replaces alanine 75 with aspartic acid.
Molecular consequence: missense variant.
Genome position (GRCh38, 1-based): chr10:80,283,984, G>T on the plus strand (C>A on the coding strand, the complement: MAT1A is on the minus strand). VCF-style: chr10-80283984-G-T. GRCh37 (hg19) VCF-style: chr10-82043740-G-T.
Other names: short protein forms A75D.
Identifiers: ClinVar variation 2128570 (VCV002128570.4), dbSNP rs2492504380, ClinGen allele CA377363542.

ClinVar aggregate classification (germline): Uncertain significance (1 of 4 stars; one submission).

Conditions:
Hepatic methionine adenosyltransferase deficiency. Also called: Deficiency of methionine adenosyltransferase; Methionine adenosyltransferase deficiency; MAT I/III DEFICIENCY; Isolated Persistent Hypermethioninemia. Identifiers: Orphanet 168598, MedGen C0268621, MeSH C564683, MONDO:0009607, OMIM 250850.

Submission:

Labcorp Genetics (formerly Invitae), Labcorp
Classification: Uncertain significance for Hepatic methionine adenosyltransferase deficiency. Last evaluated: 2022-04-20. Review status: criteria provided, single submitter. Criteria: Invitae Variant Classification Sherloc (09022015). Collection method: clinical testing. Allele origin: germline.
Comment: In summary, the available evidence is currently insufficient to determine the role of this variant in disease. Therefore, it has been classified as a Variant of Uncertain Significance. Algorithms developed to predict the effect of missense changes on protein structure and function (SIFT, PolyPhen-2, Align-GVGD) all suggest that this variant is likely to be disruptive. This variant has not been reported in the literature in individuals affected with MAT1A-related conditions. This variant is not present in population databases (gnomAD no frequency). This sequence change replaces alanine, which is neutral and non-polar, with aspartic acid, which is acidic and polar, at codon 75 of the MAT1A protein (p.Ala75Asp).